The following is an entry in ClinVar:

NM_001201543.2(FAM161A):c.255T>G (p.Phe85Leu)

Gene: FAM161A (FAM161 centrosomal protein A; minus strand). Cytogenetic location: 2p15.
Variant type: single nucleotide variant.
Coding change: c.255T>G on transcript NM_001201543.2 (MANE Select); coding-DNA position 255, T replaced by G.
Protein change: p.Phe85Leu; replaces phenylalanine 85 with leucine.
Molecular consequence: missense variant. On other transcripts: non-coding transcript variant (1).
Genome position (GRCh38, 1-based): chr2:61,842,289, A>C on the plus strand (T>G on the coding strand, the complement: FAM161A is on the minus strand). VCF-style: chr2-61842289-A-C. GRCh37 (hg19) VCF-style: chr2-62069424-A-C.
Other names: c.255T>G, p.Phe85Leu (NM_032180.3); short protein forms F85L.
Identifiers: ClinVar variation 1056490 (VCV001056490.9), dbSNP rs2105087004, ClinGen allele CA346989595.
Genomic context (GRCh38, chr2:61,842,289, plus strand): 5'-GGCAGCCTTCAACTCTTCTACTTTCTTGAAATACTCCTCATTAGAGTGGTGAATATCAGG[A>C]AAGTTCACAAAGTCCTCATAGCTTATCGGTGCATGTTCATCCACCCCAGAAAAGCTGGTG-3'
Protein context (NP_001188472.1, residues 75-95): APISYEDFVN[Phe85Leu]PDIHHSNEEY

ClinVar aggregate classification (germline): Uncertain significance (1 of 4 stars; one submission).

Submission:

Labcorp Genetics (formerly Invitae), Labcorp
Classification: Uncertain significance. Last evaluated: 2020-06-22. Review status: criteria provided, single submitter. Criteria: Invitae Variant Classification Sherloc (09022015). Collection method: clinical testing. Allele origin: germline.
Comment: This sequence change replaces phenylalanine with leucine at codon 85 of the FAM161A protein (p.Phe85Leu). The phenylalanine residue is moderately conserved and there is a small physicochemical difference between phenylalanine and leucine. This variant is not present in population databases (ExAC no frequency). This variant has not been reported in the literature in individuals with FAM161A-related conditions. Algorithms developed to predict the effect of missense changes on protein structure and function output the following: SIFT: "Tolerated"; PolyPhen-2: "Benign"; Align-GVGD: "Class C0". The leucine amino acid residue is found in multiple mammalian species, suggesting that this missense change does not adversely affect protein function. These predictions have not been confirmed by published functional studies and their clinical significance is uncertain. In summary, the available evidence is currently insufficient to determine the role of this variant in disease. Therefore, it has been classified as a Variant of Uncertain Significance.